The following is an entry in ClinVar:

NM_018451.5(CPAP):c.3355G>A (p.Asp1119Asn)

Genes: CPAP (centrosome assembly and centriole elongation protein; minus strand), RNF17 (ring finger protein 17; plus strand). Cytogenetic location: 13q12.12.
Variant type: single nucleotide variant.
Coding change: c.3355G>A on transcript NM_018451.5 (MANE Select); coding-DNA position 3355, G replaced by A.
Protein change: p.Asp1119Asn; replaces aspartic acid 1119 with asparagine.
Molecular consequence: missense variant. On other transcripts: non-coding transcript variant (2).
Genome position (GRCh38, 1-based): chr13:24,885,617, C>T on the plus strand (G>A on the coding strand, the complement: CPAP is on the minus strand). VCF-style: chr13-24885617-C-T. GRCh37 (hg19) VCF-style: chr13-25459755-C-T.
Other names: short protein forms D1119N.
Identifiers: ClinVar variation 2177994 (VCV002177994.1), dbSNP rs924920547, ClinGen allele CA247065790.
Genomic context (GRCh38, chr13:24,885,617, plus strand): 5'-CAAGCCTAAGTAATGTATGTTTGAAGAATATATAAAAACAGAGATTTACTTGTCCCTTAT[C>T]CAAATTGCCTAAATCACGAGGAGGTGCAGACTTGGATCTTCGAGGTGGATTGCCTATTAG-3'
Protein context (NP_060921.3, residues 1109-1129): SAPPRDLGNL[Asp1119Asn]KGQAASPREP

ClinVar aggregate classification (germline): Uncertain significance (1 of 4 stars; one submission).

Allele frequency attached by ClinVar (database versions not stated): gnomAD exomes below 0.00001; TOPMed 0.00002; gnomAD 0.00003.
gnomAD v4.1: 11 of 1,609,872 alleles (0.00068%); highest among the groups gnomAD compares: Middle Eastern, 0.049%; no homozygotes.

Submission:

Labcorp Genetics (formerly Invitae), Labcorp
Classification: Uncertain significance. Last evaluated: 2022-05-25. Review status: criteria provided, single submitter. Criteria: Invitae Variant Classification Sherloc (09022015). Collection method: clinical testing. Allele origin: germline.
Comment: This sequence change replaces aspartic acid, which is acidic and polar, with asparagine, which is neutral and polar, at codon 1119 of the CENPJ protein (p.Asp1119Asn). This variant is not present in population databases (gnomAD no frequency). This variant has not been reported in the literature in individuals affected with CENPJ-related conditions. Algorithms developed to predict the effect of missense changes on protein structure and function (SIFT, PolyPhen-2, Align-GVGD) all suggest that this variant is likely to be tolerated. Algorithms developed to predict the effect of sequence changes on RNA splicing suggest that this variant may disrupt the consensus splice site. In summary, the available evidence is currently insufficient to determine the role of this variant in disease. Therefore, it has been classified as a Variant of Uncertain Significance.